The following is an entry in ClinVar:

NM_182643.3(DLC1):c.4293-10G>C

Gene: DLC1 (DLC1 Rho GTPase activating protein; minus strand). Cytogenetic location: 8p22.
Variant type: single nucleotide variant.
Coding change: c.4293-10G>C on transcript NM_182643.3 (MANE Select); 10 bases into the intron before coding-DNA position 4293, G replaced by C.
Molecular consequence: intron variant.
Genome position (GRCh38, 1-based): chr8:13,086,473, C>G on the plus strand (G>C on the coding strand, the complement: DLC1 is on the minus strand). VCF-style: chr8-13086473-C-G. GRCh37 (hg19) VCF-style: chr8-12943982-C-G.
Other names: c.2760-10G>C (NM_001348082.2, NM_001413126.1, NM_001413127.1 and 6 more transcripts); c.4293-10G>C (NM_001348081.2, NM_001413124.1); c.2733-10G>C (NM_001413131.1, NM_001413137.1); c.2865-10G>C (NM_001413129.1); c.3084-10G>C (NM_001316668.2); c.3219-10G>C (NM_001413132.1); c.3075-10G>C (NM_001413130.1); c.2763-10G>C (NM_001413136.1); and 3 more.
Identifiers: ClinVar variation 3046658 (VCV003046658.2), dbSNP rs1298834586, ClinGen allele CA580504624.

ClinVar aggregate classification (germline): Likely benign (0 of 4 stars; one submission).

Conditions:
DLC1-related disorder. Also called: DLC1-related condition.

Allele frequency attached by ClinVar (database versions not stated): gnomAD exomes below 0.00001.
gnomAD v4.1: 2 of 1,606,226 alleles (0.00012%); highest among the groups gnomAD compares: Non-Finnish European, 0.00017%; no homozygotes.

Submission:

PreventionGenetics, part of Exact Sciences
Classification: Likely benign for DLC1-related condition. Last evaluated: 2020-03-19. Review status: no assertion criteria provided. Collection method: clinical testing. Allele origin: germline.
Comment: This variant is classified as likely benign based on ACMG/AMP sequence variant interpretation guidelines (Richards et al. 2015 PMID: 25741868, with internal and published modifications).